The following is an entry in ClinVar:

ClinVar aggregate classification (germline): Uncertain significance. Review status: criteria provided, multiple submitters, no conflicts (2 of 4 stars). 4 submissions from 4 submitters: Uncertain significance (3). 1 of the submissions does not count toward it. Last evaluated 2026-09-18.

Conditions:
COL4A4-related disorder.
Autosomal recessive Alport syndrome (ATS2). Also called: COL4A3-Related Nephropathy; Alport syndrome type 2; ALPORT SYNDROME 2, AUTOSOMAL RECESSIVE; COL4A4 Alport Syndrome and Thin Basement Membrane Nephropathy. Identifiers: Orphanet 63, Orphanet 88919, MedGen C4746745, MONDO:0008762, OMIM 203780.
Benign familial hematuria. Also called: thin basement membrane disease. Identifiers: MedGen C0241908, MONDO:0957317.
Alport syndrome. Also called: Hemorrhagic familial nephritis; Hemorrhagic hereditary nephritis; Congenital hereditary hematuria. Identifiers: Orphanet 63, MedGen C1567741, MONDO:0018965.

Submissions (4):

PreventionGenetics, part of Exact Sciences
Classification: Uncertain significance for COL4A4-related condition. Last evaluated: 2026-09-18. Review status: criteria provided, single submitter. Criteria: ACMG Guidelines, 2015. Collection method: clinical testing. Allele origin: germline.
Comment: The COL4A4 c.204_212del9 variant is predicted to result in an in-frame deletion (p.Pro69_Gly71del). To our knowledge, this variant has not been reported in the literature. This variant resides within the triple helical domain of the COL4A4 protein (amino acids 57-1451). Glycine substitutions within this domain affect the folding and secretion of type VII collagen, and pathogenic variants altering glycine residues have been reported in individuals with COL4A4-related disorders (Hudson et al. 1993. PubMed ID: 8253711). However, this deletion removes an entire Gly-X-Y tripeptide repeat unit of the collagen triple-helix, and therefore the effect of this variant on collagen structure is uncertain. This variant is reported in 0.0033% of alleles in individuals of South Asian descent in gnomAD. At this time, the clinical significance of this variant is uncertain due to the absence of conclusive functional and genetic evidence.

Victorian Clinical Genetics Services, Murdoch Childrens Research Institute
Classification: Uncertain significance for Alport syndrome. Last evaluated: 2022-09-02. Review status: criteria provided, single submitter. Criteria: ACMG Guidelines, 2015. Collection method: clinical testing. Allele origin: germline. Affected: yes.
Comment: Based on the classification scheme VCGS_Germline_v1.3.4, this variant is classified as VUS-3A. Following criteria are met: 0103 - Loss of function is a known mechanism of disease for this gene and is associated with Alport syndrome (MONDO:0019865). Dominant negative is a suspected mechanism of disease for this gene as it is a structural protein (PMIDs: 12028435, 24046192). (I) 0108 - This gene is associated with both recessive and dominant disease. Alport syndrome typically has biallelic inheritance, although rare cases of monoallelic inheritance have been reported (PMID: 28704582). Thin basement mebrane nephropathy (TBMN) and focal segmental glomerulosclerosis (FSGS) are associated with autosomal dominant inheritance (OMIM, PMIDs: 16467446, 17942953). (I) 0213 - In-frame insertion/deletion in a non-repetitive region that has high conservation. (SP) 0251 - This variant is heterozygous. (I) 0304 - Variant is present in gnomAD (v3) <0.01 (6 heterozygotes, 0 homozygotes). (SP) 0601 - Variant is located in the well-established functional collagen G-X-Y repeat (DECIPHER). (SP) 0705 - No comparable inframe deletion variants have previous evidence for pathogenicity. However, a larger inframe deletion that encompasses this variant has been reported in an individual with autosomal recessive Alport syndrome (PMID: 29204651). (I) 0809 - Previous evidence of pathogenicity for this variant is inconclusive. This variant has been previously reported as a VUS (ClinVar). (I) 0905 - No published segregation evidence has been identified for this variant. (I) 1007 - No published functional evidence has been identified for this variant. (I) 1102 - Strong phenotype match for this individual. (SP) 1208 - Inheritance information for this variant is not currently available in this individual. (I) Legend: (SP) - Supporting pathogenic, (I) - Information, (SB) - Supporting benign

Fulgent Genetics
Classification: Uncertain significance for Hematuria, benign familial, 1; Autosomal recessive Alport syndrome. Last evaluated: 2021-08-12. Review status: criteria provided, single submitter. Criteria: ACMG Guidelines, 2015. Collection method: clinical testing. Allele origin: unknown.

Counsyl
Classification: Uncertain significance for Autosomal recessive Alport syndrome. Last evaluated: 2017-10-06. Review status: no assertion criteria provided. Collection method: clinical testing. Allele origin: unknown. Not counted in ClinVar's aggregate classification.

Literature cited by the submitters: PubMed 12028435 (cited by Victorian Clinical Genetics Services, Murdoch Childrens Research Institute); PubMed 16467446 (cited by Victorian Clinical Genetics Services, Murdoch Childrens Research Institute); PubMed 17942953 (cited by Victorian Clinical Genetics Services, Murdoch Childrens Research Institute); PubMed 24046192 (cited by Victorian Clinical Genetics Services, Murdoch Childrens Research Institute); PubMed 28704582 (cited by Victorian Clinical Genetics Services, Murdoch Childrens Research Institute); PubMed 29204651 (cited by Victorian Clinical Genetics Services, Murdoch Childrens Research Institute).

NM_000092.5(COL4A4):c.204_212del (p.67PGP[1])

Gene: COL4A4 (collagen type IV alpha 4 chain; minus strand). Cytogenetic location: 2q36.3.
Variant type: Deletion.
Coding change: c.204_212del on transcript NM_000092.5 (MANE Select); coding-DNA positions 204 to 212, 9 bases deleted (ACCACCAGG; older notation c.204_212delACCACCAGG).
Protein change: p.67PGP[1].
Molecular consequence: inframe deletion.
Genome position (GRCh38, 1-based): chr2:227,121,129-227,121,137, CCTGGTGGT deleted on the plus strand (ACCACCAGG on the coding strand, the reverse complement: COL4A4 is on the minus strand); deleting any 9 consecutive bases within chr2:227,121,129-227,121,145 gives the same sequence; the c. name uses the placement nearest the transcript's 3' end. VCF-style (leftmost placement, unchanged base first): chr2-227121128-CCCTGGTGGT-C. GRCh37 (hg19) VCF-style: chr2-227985844-CCCTGGTGGT-C.
Other names: c.204_212delACCACCAGG (NM_000092.4); c.204_212del9 (NM_000092.4).
Identifiers: ClinVar variation 554060 (VCV000554060.5), dbSNP rs764884579, ClinGen allele CA66577396.